The following is an entry in ClinVar:

ClinVar aggregate classification (germline): Likely benign. Review status: criteria provided, single submitter (1 of 4 stars). 2 submissions from 2 submitters: Likely benign (1). 1 of the submissions does not count toward it. Last evaluated 2025-10-26.

Conditions:
MYLK-related disorder. Also called: MYLK-related condition.
Aortic aneurysm, familial thoracic 7 (AAT7). Also called: AORTIC DISSECTION, FAMILIAL, WITH OR WITHOUT AORTIC ANEURYSM. Identifiers: MedGen C3151077, MONDO:0013418, OMIM 613780.

Allele frequency attached by ClinVar (database versions not stated): gnomAD exomes below 0.00001.
gnomAD v4.1: 1 of 1,613,726 alleles (0.000062%); highest among the groups gnomAD compares: Non-Finnish European, 0.000085%; no homozygotes.

Submissions (2):

Labcorp Genetics (formerly Invitae), Labcorp
Classification: Likely benign for Aortic aneurysm, familial thoracic 7. Last evaluated: 2025-10-26. Review status: criteria provided, single submitter. Criteria: Invitae Variant Classification Sherloc (09022015). Collection method: clinical testing. Allele origin: germline.

PreventionGenetics, part of Exact Sciences
Classification: Likely benign for MYLK-related condition. Last evaluated: 2023-08-10. Review status: no assertion criteria provided. Collection method: clinical testing. Allele origin: germline. Not counted in ClinVar's aggregate classification.
Comment: This variant is classified as likely benign based on ACMG/AMP sequence variant interpretation guidelines (Richards et al. 2015 PMID: 25741868, with internal and published modifications).

NM_053025.4(MYLK):c.4619+8G>A

Gene: MYLK (myosin light chain kinase; minus strand). Cytogenetic location: 3q21.1.
Variant type: single nucleotide variant.
Coding change: c.4619+8G>A on transcript NM_053025.4 (MANE Select); 8 bases into the intron after coding-DNA position 4619, G replaced by A.
Molecular consequence: intron variant.
Genome position (GRCh38, 1-based): chr3:123,647,216, C>T on the plus strand (G>A on the coding strand, the complement: MYLK is on the minus strand). VCF-style: chr3-123647216-C-T. GRCh37 (hg19) VCF-style: chr3-123366063-C-T.
Other names: c.4091+8G>A (NM_001321309.2); c.4412+8G>A (NM_053028.4, NM_053026.4); c.4619+8G>A (NM_053027.4).
Identifiers: ClinVar variation 3036342 (VCV003036342.3), dbSNP rs2059052149, ClinGen allele CA1398493126.
Genomic context (GRCh38, chr3:123,647,216, plus strand): 5'-AGGGCAGTAGGGGAGACACGTTTGGGGGCTCCCTGTGGTGCCCACGCTGCTGGCAGTGGG[C>T]CACTCACATCTCCAGGACCATGACGATGTTGGCCTTTTCTTCAAAGGCATCCACACACTG-3'